The following is an entry in ClinVar:

NM_005883.3(APC2):c.967G>C (p.Gly323Arg)

Gene: APC2 (APC regulator of Wnt signaling pathway 2; plus strand). Cytogenetic location: 19p13.3.
Variant type: single nucleotide variant.
Coding change: c.967G>C on transcript NM_005883.3 (MANE Select); coding-DNA position 967, G replaced by C.
Protein change: p.Gly323Arg; replaces glycine 323 with arginine.
Molecular consequence: missense variant.
Genome position (GRCh38, 1-based): chr19:1,457,003, G>C. VCF-style: chr19-1457003-G-C. GRCh37 (hg19) VCF-style: chr19-1457002-G-C.
Other names: c.967G>C (NM_005883.2); c.964G>C, p.Gly322Arg (NM_001351273.1); short protein forms G322R, G323R.
Identifiers: ClinVar variation 1636465 (VCV001636465.19), dbSNP rs143870588, ClinGen allele CA9044935.

ClinVar aggregate classification (germline): Benign. Review status: criteria provided, multiple submitters, no conflicts (2 of 4 stars). 4 submissions from 4 submitters: Benign (3). 1 of the submissions does not count toward it. Last evaluated 2026-09-01.

Conditions:
APC2-related disorder. Also called: APC2-Related Disorders; APC2-related condition.

Allele frequency attached by ClinVar (database versions not stated): 1000 Genomes Project 0.00599; 1000 Genomes Project 30x 0.00640; ESP Exome Variant Server 0.00809.

Submissions (4):

CeGaT Center for Human Genetics Tuebingen
Classification: Benign. Last evaluated: 2026-09-01. Review status: criteria provided, single submitter. Criteria: CeGaT Center For Human Genetics Tuebingen Variant Classification Criteria Version 2. Collection method: clinical testing. Allele origin: germline. Affected: yes. Observed: 23 variant alleles.
Comment: APC2: BS1, BS2

Labcorp Genetics (formerly Invitae), Labcorp
Classification: Benign. Last evaluated: 2026-02-01. Review status: criteria provided, single submitter. Criteria: Invitae Variant Classification Sherloc (09022015). Collection method: clinical testing. Allele origin: germline.

Breakthrough Genomics
Classification: Benign. Review status: criteria provided, single submitter. Criteria: ACMG Guidelines, 2015. Collection method: not provided. Allele origin: germline. Inheritance: Autosomal recessive inheritance. Affected: yes.

PreventionGenetics, part of Exact Sciences
Classification: Benign for APC2-related condition. Last evaluated: 2019-05-01. Review status: no assertion criteria provided. Collection method: clinical testing. Allele origin: germline. Not counted in ClinVar's aggregate classification.
Comment: This variant is classified as benign based on ACMG/AMP sequence variant interpretation guidelines (Richards et al. 2015 PMID: 25741868, with internal and published modifications).